The following is an entry in ClinVar:

ClinVar aggregate classification (germline): Uncertain significance (1 of 4 stars; one submission).

Conditions:
Cardiovascular phenotype. Identifiers: MedGen CN230736.

Allele frequency attached by ClinVar (database versions not stated): gnomAD exomes below 0.00001; TOPMed below 0.00001.
gnomAD v4.1: 4 of 1,612,874 alleles (0.00025%); highest among the groups gnomAD compares: East Asian, 0.0045%; no homozygotes.

Submission:

Ambry Genetics
Classification: Uncertain significance for Cardiovascular phenotype. Last evaluated: 2023-07-03. Review status: criteria provided, single submitter. Criteria: Ambry Variant Classification Scheme 2023. Collection method: clinical testing. Allele origin: germline.
Comment: The p.P1718A variant (also known as c.5152C>G), located in coding exon 13 of the TNXB gene, results from a C to G substitution at nucleotide position 5152. The proline at codon 1718 is replaced by alanine, an amino acid with highly similar properties. This amino acid position is conserved. In addition, this alteration is predicted to be tolerated by in silico analysis. Since supporting evidence is limited at this time, the clinical significance of this alteration remains unclear.

NM_001365276.2(TNXB):c.5152C>G (p.Pro1718Ala)

Gene: TNXB (tenascin XB; minus strand). Cytogenetic location: 6p21.33.
Variant type: single nucleotide variant.
Coding change: c.5152C>G on transcript NM_001365276.2 (MANE Select); coding-DNA position 5152, C replaced by G.
Protein change: p.Pro1718Ala; replaces proline 1718 with alanine.
Molecular consequence: missense variant.
Genome position (GRCh38, 1-based): chr6:32,070,253, G>C on the plus strand (C>G on the coding strand, the complement: TNXB is on the minus strand). VCF-style: chr6-32070253-G-C. GRCh37 (hg19) VCF-style: chr6-32038030-G-C.
Other names: c.5152C>G, p.Pro1718Ala (NM_019105.8); short protein forms P1718A.
Identifiers: ClinVar variation 2284027 (VCV002284027.2), dbSNP rs1184261035, ClinGen allele CA363415385.